The following is an entry in ClinVar:

NM_003413.4(ZIC3):c.135CGC[7] (p.Ala54_Ala55del)

Gene: ZIC3 (Zic family zinc finger 3; plus strand). Cytogenetic location: Xq26.3.
Variant type: Microsatellite.
Coding change: c.135CGC[7] on transcript NM_003413.4 (MANE Select); seven copies in a row of the 3-base unit CGC starting at c.135; the reference has nine copies in a row; two copies, 6 bases deleted.
Protein change: p.Ala54_Ala55del.
Molecular consequence: inframe deletion.
Genome position (GRCh38, 1-based): chrX:137,566,847-137,566,852, CGCCGC deleted; deleting any 6 consecutive bases within chrX:137,566,826-137,566,852 gives the same sequence; the position shown is the placement nearest the transcript's 3' end. VCF-style (leftmost placement, unchanged base first): chrX-137566825-ACGCCGC-A. GRCh37 (hg19) VCF-style: chrX-136648984-ACGCCGC-A.
Other names: c.135CGC[7], p.Ala54_Ala55del (NM_001330661.1).
Identifiers: ClinVar variation 664421 (VCV000664421.8), dbSNP rs748325646, ClinGen allele CA336368755.

ClinVar aggregate classification (germline): Uncertain significance (1 of 4 stars; one submission).

Conditions:
Heterotaxy, visceral, 1, X-linked (HTX1). Also called: Laterality, X-linked; Visceral heterotaxia; SITUS INVERSUS, COMPLEX CARDIAC DEFECTS, AND SPLENIC DEFECTS, X-LINKED; DEXTROCARDIA WITH OTHER CARDIAC MALFORMATIONS. Identifiers: Orphanet 450, MedGen C1844020, MONDO:0010607, OMIM 306955.

Submission:

Labcorp Genetics (formerly Invitae), Labcorp
Classification: Uncertain significance for Heterotaxy, visceral, 1, X-linked. Last evaluated: 2018-09-10. Review status: criteria provided, single submitter. Criteria: Invitae Variant Classification Sherloc (09022015). Collection method: clinical testing. Allele origin: germline.
Comment: In summary, the available evidence is currently insufficient to determine the role of this variant in disease. Therefore, it has been classified as a Variant of Uncertain Significance. Experimental studies and prediction algorithms are not available for this variant, and the functional significance of the affected amino acid(s) is currently unknown. This variant has not been reported in the literature in individuals with ZIC3-related disease. The frequency data for this variant in the population databases is considered unreliable, as metrics indicate insufficient coverage at this position in the ExAC database. This variant, c.156_161delCGCCGC, results in the deletion of 2 amino acid(s) of the ZIC3 protein (p.Ala54_Ala55del), but otherwise preserves the integrity of the reading frame.